The following is an entry in ClinVar:

ClinVar aggregate classification (germline): Uncertain significance (1 of 4 stars; one submission).

Conditions:
Peroxisome biogenesis disorder, complementation group K (CGK). Identifiers: MedGen C1866257, MONDO:0800365.

Submission:

Labcorp Genetics (formerly Invitae), Labcorp
Classification: Uncertain significance for Peroxisome biogenesis disorder, complementation group K. Last evaluated: 2021-10-22. Review status: criteria provided, single submitter. Criteria: Invitae Variant Classification Sherloc (09022015). Collection method: clinical testing. Allele origin: germline.
Comment: Algorithms developed to predict the effect of missense changes on protein structure and function are either unavailable or do not agree on the potential impact of this missense change (SIFT: "Deleterious"; PolyPhen-2: "Probably Damaging"; Align-GVGD: "Class C0"). This sequence change replaces aspartic acid with tyrosine at codon 333 of the PEX14 protein (p.Asp333Tyr). The aspartic acid residue is moderately conserved and there is a large physicochemical difference between aspartic acid and tyrosine. This variant is not present in population databases (ExAC no frequency). This variant has not been reported in the literature in individuals affected with PEX14-related conditions. In summary, the available evidence is currently insufficient to determine the role of this variant in disease. Therefore, it has been classified as a Variant of Uncertain Significance.

NM_004565.3(PEX14):c.997G>T (p.Asp333Tyr)

Gene: PEX14 (peroxisomal biogenesis factor 14; plus strand). Cytogenetic location: 1p36.22.
Variant type: single nucleotide variant.
Coding change: c.997G>T on transcript NM_004565.3 (MANE Select); coding-DNA position 997, G replaced by T.
Protein change: p.Asp333Tyr; replaces aspartic acid 333 with tyrosine.
Molecular consequence: missense variant.
Genome position (GRCh38, 1-based): chr1:10,629,850, G>T. VCF-style: chr1-10629850-G-T. GRCh37 (hg19) VCF-style: chr1-10689907-G-T.
Other names: short protein forms D333Y.
Identifiers: ClinVar variation 1388679 (VCV001388679.6), dbSNP rs2124650787, ClinGen allele CA338339286.